The following is an entry in ClinVar:

ClinVar aggregate classification (germline): Uncertain significance. Review status: criteria provided, multiple submitters, no conflicts (2 of 4 stars). 3 submissions from 3 submitters: Uncertain significance (3). Last evaluated 2025-06-29.

Conditions:
Inborn genetic diseases. Identifiers: MedGen C0950123, MeSH D030342.

Allele frequency attached by ClinVar (database versions not stated): gnomAD exomes 0.00005 and 0.00007; ExAC 0.00007; gnomAD 0.00007; TOPMed 0.00009.
gnomAD v4.1: 87 of 1,613,832 alleles (0.0054%); highest among the groups gnomAD compares: Admixed American, 0.018%; no homozygotes.

Submissions (3):

Ambry Genetics
Classification: Uncertain significance for Inborn genetic diseases. Last evaluated: 2025-06-29. Review status: criteria provided, single submitter. Criteria: Ambry Variant Classification Scheme 2023. Collection method: clinical testing. Allele origin: germline.

Labcorp Genetics (formerly Invitae), Labcorp
Classification: Uncertain significance. Last evaluated: 2022-06-13. Review status: criteria provided, single submitter. Criteria: Invitae Variant Classification Sherloc (09022015). Collection method: clinical testing. Allele origin: germline.
Comment: This sequence change replaces glutamine, which is neutral and polar, with arginine, which is basic and polar, at codon 1404 of the TTC37 protein (p.Gln1404Arg). This variant is present in population databases (rs200423852, gnomAD 0.02%). This variant has not been reported in the literature in individuals affected with TTC37-related conditions. ClinVar contains an entry for this variant (Variation ID: 290509). Algorithms developed to predict the effect of missense changes on protein structure and function are either unavailable or do not agree on the potential impact of this missense change (SIFT: "Tolerated"; PolyPhen-2: "Possibly Damaging"; Align-GVGD: "Class C0"). In summary, the available evidence is currently insufficient to determine the role of this variant in disease. Therefore, it has been classified as a Variant of Uncertain Significance.

Eurofins Ntd Llc (ga)
Classification: Uncertain significance. Last evaluated: 2016-08-29. Review status: criteria provided, single submitter. Criteria: EGL Classification Definitions 2015. Collection method: clinical testing. Allele origin: germline. Observed: 1 variant allele, 1 heterozygote.

NM_014639.4(SKIC3):c.4211A>G (p.Gln1404Arg)

Gene: SKIC3 (SKI3 subunit of superkiller complex; minus strand). Cytogenetic location: 5q15.
Variant type: single nucleotide variant.
Coding change: c.4211A>G on transcript NM_014639.4 (MANE Select); coding-DNA position 4211, A replaced by G.
Protein change: p.Gln1404Arg; replaces glutamine 1404 with arginine.
Molecular consequence: missense variant.
Genome position (GRCh38, 1-based): chr5:95,482,474, T>C on the plus strand (A>G on the coding strand, the complement: SKIC3 is on the minus strand). VCF-style: chr5-95482474-T-C. GRCh37 (hg19) VCF-style: chr5-94818178-T-C.
Other names: c.4211A>G (NM_014639.3); short protein forms Q1404R.
Identifiers: ClinVar variation 290509 (VCV000290509.15), dbSNP rs200423852, ClinGen allele CA3346479.